The following is an entry in ClinVar:

ClinVar aggregate classification (germline): Pathogenic (0 of 4 stars; one submission).

Conditions:
Methylmalonic aciduria, cblA type (MACA). Also called: Methylmalonic aciduria, vitamin b12-responsive, due to defect in synthesis of adenosylcobalamin, cbla complementation type; MMA cbl A type; Methylmalonic acidemia cblA type; Methylmalonic aciduria, vitamin B12-responsive; Vitamin B12-responsive methylmalonic acidemia type cblA. Identifiers: Orphanet 28, Orphanet 79310, MedGen C1855109, MONDO:0009613, OMIM 251100.

Submission:

Institute of Medical Genetics and Genomics, Sir Ganga Ram Hospital
Classification: Pathogenic for Methylmalonic aciduria, cblA type. Last evaluated: 2015-05-18. Review status: no assertion criteria provided. Collection method: research. Allele origin: germline. Affected: yes. Observed: 1 variant allele. Study: ORGANIC ACIDURIAS.
Comment: Mutation was checked in 100 normal control and was found pathogenic by polyphen2, panther, sift, mutation taster

Missense mutation

NM_172250.3(MMAA):c.1025T>G (p.Met342Arg)

Gene: MMAA (metabolism of cobalamin associated A; plus strand). Cytogenetic location: 4q31.21.
Variant type: single nucleotide variant.
Coding change: c.1025T>G on transcript NM_172250.3 (MANE Select); coding-DNA position 1025, T replaced by G.
Protein change: p.Met342Arg; replaces methionine 342 with arginine.
Molecular consequence: missense variant.
Genome position (GRCh38, 1-based): chr4:145,655,202, T>G. VCF-style: chr4-145655202-T-G. GRCh37 (hg19) VCF-style: chr4-146576354-T-G.
Other names: short protein forms M342R.
Identifiers: ClinVar variation 225189 (VCV000225189.2), dbSNP rs869320657, ClinGen allele CA358791.